The following is an entry in ClinVar:

ClinVar aggregate classification (germline): Pathogenic. Review status: criteria provided, multiple submitters, no conflicts (2 of 4 stars). 4 submissions from 4 submitters: Pathogenic (4). Last evaluated 2024-01-05.

Conditions:
Rare genetic deafness. Identifiers: Orphanet 96210, MedGen C5680250.
CDH23-related disorder. Also called: CDH23-related disorders; CDH23-related condition.
Pituitary adenoma 5, multiple types. Identifiers: MedGen C4539685, MONDO:0054601, OMIM 617540.

gnomAD v4.1: 1 of 1,611,198 alleles (0.000062%); highest among the groups gnomAD compares: Non-Finnish European, 0.000085%; no homozygotes.

Submissions (4):

Baylor Genetics
Classification: Pathogenic for Pituitary adenoma 5, multiple types. Last evaluated: 2024-01-05. Review status: criteria provided, single submitter. Criteria: ACMG Guidelines, 2015. Collection method: clinical testing. Allele origin: unknown.

Labcorp Genetics (formerly Invitae), Labcorp
Classification: Pathogenic. Last evaluated: 2023-08-06. Review status: criteria provided, single submitter. Criteria: Invitae Variant Classification Sherloc (09022015). Collection method: clinical testing. Allele origin: germline.
Comment: This sequence change affects a donor splice site in intron 10 of the CDH23 gene. It is expected to disrupt RNA splicing. Variants that disrupt the donor or acceptor splice site typically lead to a loss of protein function (PMID: 16199547), and loss-of-function variants in CDH23 are known to be pathogenic (PMID: 11138009, 21940737). This variant is not present in population databases (gnomAD no frequency). Disruption of this splice site has been observed in individuals with Usher syndrome (PMID: 30774966; Invitae). ClinVar contains an entry for this variant (Variation ID: 162876). Algorithms developed to predict the effect of sequence changes on RNA splicing suggest that this variant may disrupt the consensus splice site. For these reasons, this variant has been classified as Pathogenic.

Blueprint Genetics
Classification: Pathogenic for CDH23-related disorders. Last evaluated: 2022-09-06. Review status: criteria provided, single submitter. Criteria: ACMG Guidelines, 2015. Collection method: clinical testing. Allele origin: germline. Affected: yes. Observed: 1 variant allele.

Laboratory for Molecular Medicine, Mass General Brigham Personalized Medicine
Classification: Pathogenic for Rare genetic deafness. Last evaluated: 2014-07-24. Review status: criteria provided, single submitter. Criteria: LMM Criteria. Collection method: clinical testing. Allele origin: germline. Inheritance: Autosomal recessive inheritance. Observed: 2 variant alleles.
Comment: The 945+1G>T variant in CDH23 has not been previously reported in individuals wi th hearing loss and was absent from large population studies. This variant occur s in the invariant region (+ 1/2) of the 5' splice site consensus sequence and i s predicted to cause altered splicing leading to an abnormal or absent protein. In summary, this variant meets our criteria to be classified as pathogenic.

Literature cited by the submitters: PubMed 16199547 (cited by Labcorp Genetics (formerly Invitae), Labcorp); PubMed 11138009 (cited by Labcorp Genetics (formerly Invitae), Labcorp); PubMed 21940737 (cited by Labcorp Genetics (formerly Invitae), Labcorp); PubMed 30774966 (cited by Labcorp Genetics (formerly Invitae), Labcorp).

NM_022124.6(CDH23):c.945+1G>T

Gene: CDH23 (cadherin related 23; plus strand). Cytogenetic location: 10q22.1.
Variant type: single nucleotide variant.
Coding change: c.945+1G>T on transcript NM_022124.6 (MANE Select); the canonical splice donor site of the intron after coding-DNA position 945, G replaced by T.
Molecular consequence: splice donor variant.
Genome position (GRCh38, 1-based): chr10:71,615,617, G>T. VCF-style: chr10-71615617-G-T. GRCh37 (hg19) VCF-style: chr10-73375374-G-T.
Other names: c.945+1G>T (NM_001171930.2, NM_001171931.2, NM_052836.4 and 1 more transcripts).
Identifiers: ClinVar variation 162876 (VCV000162876.9), dbSNP rs727502919, ClinGen allele CA273132.